The following is an entry in ClinVar:

NM_000465.4(BARD1):c.1986C>G (p.Leu662=)

Gene: BARD1 (BRCA1 associated RING domain 1; minus strand). Cytogenetic location: 2q35.
Variant type: single nucleotide variant.
Coding change: c.1986C>G on transcript NM_000465.4 (MANE Select); coding-DNA position 1986, C replaced by G.
Protein change: p.Leu662=; no amino-acid change (leucine 662 retained).
Molecular consequence: synonymous variant. On other transcripts: non-coding transcript variant (3).
Genome position (GRCh38, 1-based): chr2:214,730,426, G>C on the plus strand (C>G on the coding strand, the complement: BARD1 is on the minus strand). VCF-style: chr2-214730426-G-C. GRCh37 (hg19) VCF-style: chr2-215595150-G-C.
Other names: c.1929C>G, p.Leu643= (NM_001282543.2); c.633C>G, p.Leu211= (NM_001282545.2); c.576C>G, p.Leu192= (NM_001282548.2); c.447C>G, p.Leu149= (NM_001282549.2); c.1986C>G (NM_000465.2).
Identifiers: ClinVar variation 3379133 (VCV003379133.2).
Genomic context (GRCh38, chr2:214,730,426, plus strand): 5'-TATGTCATAATAAGAACAATGAAAGTTGTATTAAAAGAAAAATACCAGCTGTTCTCTGTT[G>C]AGCCTGCTTCTGCGTGGACCTTCAGGAATTTCATACTTTTCTTCCTGTTCACATACTTTT-3'
Protein context (NP_000456.2, residues 652-672): EIPEGPRRSR[Leu662=]NREQLLPKLF

ClinVar aggregate classification (germline): Benign/Likely benign. Review status: criteria provided, multiple submitters, no conflicts (2 of 4 stars). 2 submissions from 2 submitters: Benign (1); Likely benign (1). Last evaluated 2024-07-29.

Conditions:
Hereditary cancer-predisposing syndrome. Also called: Neoplastic Syndromes, Hereditary; Tumor predisposition; Hereditary Cancer Syndrome; Hereditary neoplastic syndrome. Identifiers: Orphanet 140162, MedGen C0027672, MeSH D009386, MONDO:0015356.
Familial cancer of breast. Also called: hereditary breast carcinoma; Hereditary breast cancer; BREAST CANCER, FAMILIAL. Identifiers: Orphanet 227535, MedGen C0346153, MONDO:0016419, OMIM 114480. Disease mechanism: loss of function.

Submissions (2):

Myriad Genetics, Inc.
Classification: Benign for Familial cancer of breast. Last evaluated: 2024-07-29. Review status: criteria provided, single submitter. Criteria: Myriad Autosomal Dominant, Autosomal Recessive and X-Linked Classification Criteria (2023). Collection method: clinical testing. Allele origin: unknown.
Comment: This variant is considered benign. This variant is a silent/synonymous amino acid change and it is not expected to impact splicing.

Ambry Genetics
Classification: Likely benign for Hereditary cancer-predisposing syndrome. Last evaluated: 2024-07-15. Review status: criteria provided, single submitter. Criteria: Ambry Variant Classification Scheme 2023. Collection method: clinical testing. Allele origin: germline.